The following is an entry in ClinVar:

NM_000059.4(BRCA2):c.502C>T (p.Pro168Ser)

Gene: BRCA2 (BRCA2 DNA repair associated; plus strand). Cytogenetic location: 13q13.1.
Variant type: single nucleotide variant.
Coding change: c.502C>T on transcript NM_000059.4 (MANE Select); coding-DNA position 502, C replaced by T.
Protein change: p.Pro168Ser; replaces proline 168 with serine.
Molecular consequence: missense variant. On other transcripts: non-coding transcript variant (1).
Genome position (GRCh38, 1-based): chr13:32,326,268, C>T. VCF-style: chr13-32326268-C-T. GRCh37 (hg19) VCF-style: chr13-32900405-C-T.
Other names: c.502C>T, p.Pro168Ser (NM_001406719.1, NM_001406720.1, NM_001406721.1 and 1 more transcripts); c.133C>T, p.Pro45Ser (NM_001406722.1); short protein forms P168S, P45S.
Identifiers: ClinVar variation 3825339 (VCV003825339.2).

ClinVar aggregate classification (germline): Uncertain significance. Review status: criteria provided, multiple submitters, no conflicts (2 of 4 stars). 2 submissions from 2 submitters: Uncertain significance (2). Last evaluated 2025-09-06.

Conditions:
Hereditary cancer-predisposing syndrome. Also called: Hereditary neoplastic syndrome; Neoplastic Syndromes, Hereditary; Tumor predisposition; Hereditary Cancer Syndrome. Identifiers: Orphanet 140162, MedGen C0027672, MeSH D009386, MONDO:0015356.
Hereditary breast ovarian cancer syndrome. Also called: Hereditary breast and ovarian cancer syndrome; BRCA1- and BRCA2-Associated Hereditary Breast and Ovarian Cancer; Hereditary breast and ovarian cancer; Hereditary breast and ovarian cancer syndrome (HBOC); Breast and ovarian cancer; Hereditary breast and/or ovarian cancer syndrome. Identifiers: Orphanet 145, MedGen C0677776, MeSH D061325, MONDO:0003582. Disease mechanism: loss of function.

Submissions (2):

Labcorp Genetics (formerly Invitae), Labcorp
Classification: Uncertain significance for Hereditary breast ovarian cancer syndrome. Last evaluated: 2025-09-06. Review status: criteria provided, single submitter. Criteria: Invitae Variant Classification Sherloc (09022015). Collection method: clinical testing. Allele origin: germline.
Comment: This sequence change replaces proline, which is neutral and non-polar, with serine, which is neutral and polar, at codon 168 of the BRCA2 protein (p.Pro168Ser). This variant is not present in population databases (gnomAD no frequency). This variant has not been reported in the literature in individuals affected with BRCA2-related conditions. ClinVar contains an entry for this variant (Variation ID: 3825339). Invitae Evidence Modeling of protein sequence and biophysical properties (such as structural, functional, and spatial information, amino acid conservation, physicochemical variation, residue mobility, and thermodynamic stability) indicates that this missense variant is not expected to disrupt BRCA2 protein function with a negative predictive value of 95%. In summary, the available evidence is currently insufficient to determine the role of this variant in disease. Therefore, it has been classified as a Variant of Uncertain Significance.

Ambry Genetics
Classification: Uncertain significance for Hereditary cancer-predisposing syndrome. Last evaluated: 2025-01-17. Review status: criteria provided, single submitter. Criteria: Ambry Variant Classification Scheme 2023. Collection method: clinical testing. Allele origin: germline.
Comment: The p.P168S variant (also known as c.502C>T), located in coding exon 5 of the BRCA2 gene, results from a C to T substitution at nucleotide position 502. The proline at codon 168 is replaced by serine, an amino acid with similar properties. This amino acid position is highly conserved in available vertebrate species. In addition, the in silico prediction for this alteration is inconclusive. Based on the available evidence, the clinical significance of this variant remains unclear.